The following is an entry in ClinVar:

NM_000088.4(COL1A1):c.948del (p.Gly317fs)

Gene: COL1A1 (collagen type I alpha 1 chain; minus strand). Cytogenetic location: 17q21.33.
Variant type: Deletion.
Coding change: c.948del on transcript NM_000088.4 (MANE Select); coding-DNA position 948, one base deleted (T; older notation c.948delT).
Protein change: p.Gly317fs; shifts the reading frame from glycine 317.
Molecular consequence: frameshift variant.
Genome position (GRCh38, 1-based): chr17:50,196,323, A deleted on the plus strand (T on the coding strand, the reverse complement: COL1A1 is on the minus strand). VCF-style (leftmost placement, unchanged base first): chr17-50196322-CA-C. GRCh37 (hg19) VCF-style: chr17-48273683-CA-C.
Other names: short protein forms G317fs.
Identifiers: ClinVar variation 4871695 (VCV004871695.1).

ClinVar aggregate classification (germline): Pathogenic (1 of 4 stars; one submission).

Conditions:
Osteogenesis imperfecta type I (OI1). Also called: Classic Non-deforming Osteogenesis Imperfecta with Blue Sclerae; OI, TYPE I; OSTEOGENESIS IMPERFECTA TARDA; OSTEOGENESIS IMPERFECTA WITH BLUE SCLERAE; Osteogenesis imperfecta type 1; Lobstein's Disease. Identifiers: Orphanet 216796, Orphanet 666, MedGen C0023931, MONDO:0008146, OMIM 166200. Disease mechanism: loss of function.

Submission:

Centro Nacional de Genética Medica, Administración Nacional de Laboratorios e Institutos de Salud (ANLIS) “Dr. Carlos G Malbrán”
Classification: Pathogenic for Osteogenesis imperfecta type I. Last evaluated: 2025-03-15. Review status: criteria provided, single submitter. Criteria: ACMG Guidelines, 2015. Collection method: clinical testing. Allele origin: germline. Affected: yes. Observed: 1 variant allele.
Comment: This variant is located in exon 14/51 of the COL1A1 gene and causes the substitution of glycine at position 317 by alanine, followed by a frameshift that introduces a premature termination codon 224 amino acid residues downstream of the variant site. Variants of this type generally result in degradation of the messenger RNA through the nonsense-mediated decay (NMD) pathway (PMID: 36875494; PMID: 31474762). COL1A1 is an established haploinsufficient gene (PMID: 9016532; PMID: 9067755) and exhibits low tolerance to loss-of-function variants. Therefore, this variant is predicted to result in loss of protein production and function due to degradation of the mutant transcript, leading to reduced amounts of type I collagen (PVS1). The identified variant is absent from population databases such as gnomAD, ExAC, and the 1000 Genomes Project (PM2_Supporting). The patient's phenotype is consistent with Osteogenesis Imperfecta Type I, and COL1A1 is strongly associated with this disorder (PP4).

Literature cited by the submitters: PubMed 36875494; PubMed 31474762; PubMed 9016532; PubMed 9067755.